The following is an entry in ClinVar:

NM_000551.4(VHL):c.331A>T (p.Ser111Cys)

Gene: VHL (von Hippel-Lindau tumor suppressor; plus strand). Cytogenetic location: 3p25.3.
Variant type: single nucleotide variant.
Coding change: c.331A>T on transcript NM_000551.4 (MANE Select); coding-DNA position 331, A replaced by T.
Protein change: p.Ser111Cys; replaces serine 111 with cysteine.
Molecular consequence: missense variant.
Genome position (GRCh38, 1-based): chr3:10,142,178, A>T. VCF-style: chr3-10142178-A-T. GRCh37 (hg19) VCF-style: chr3-10183862-A-T.
Other names: c.331A>T, p.Ser111Cys (NM_001354723.2, NM_198156.3); short protein forms S111C.
Identifiers: ClinVar variation 565557 (VCV000565557.9), dbSNP rs1559426203, ClinGen allele CA351751322.

ClinVar aggregate classification (germline): Pathogenic (1 of 4 stars; one submission).

Conditions:
Von Hippel-Lindau syndrome (VHLS). Also called: von Hippel–Lindau syndrome; Von Hippel-Lindau; VHL syndrome. Identifiers: Orphanet 892, MedGen C0019562, MONDO:0008667, OMIM 193300. Disease mechanism: loss of function.
Chuvash polycythemia. Also called: POLYCYTHEMIA, VHL-DEPENDENT. Identifiers: Orphanet 238557, MedGen C1837915, MONDO:0009892, OMIM 263400.

Allele frequency attached by ClinVar (database versions not stated): gnomAD exomes below 0.00001.
gnomAD v4.1: 1 of 1,598,306 alleles (0.000063%); highest among the groups gnomAD compares: Non-Finnish European, 0.000085%; no homozygotes.

Submission:

Labcorp Genetics (formerly Invitae), Labcorp
Classification: Pathogenic for Von Hippel-Lindau syndrome; Chuvash polycythemia. Last evaluated: 2018-01-30. Review status: criteria provided, single submitter. Criteria: Invitae Variant Classification Sherloc (09022015). Collection method: clinical testing. Allele origin: germline.
Comment: A different variant (c.543–544CA>TT) giving rise to the same protein effect observed here (p.Ser111Cys) has been reported in an individual affected with pheochromocytoma (PMID: 9829911). In addition, two different missense substitution at this codon (p.Ser111Arg and p.Ser111Asn) have been reported in individuals affected with von Hippel-Lindau syndrome (PMID: 25562111, 27527340, 14722919, 10761708, 7728151, 25867206). This suggests that the serine residue is critical for VHL protein function. For these reasons, this variant has been classified as Pathogenic. Experimental studies have shown that this missense change failed to transactivate p53 upon DNA damage, due to impaired Chk2-mediated phosphorylation in vitro (PMID: 22071692). This variant has been reported in individuals with von Hippel-Lindau syndrome (PMID: 12202531) and in individuals affected with unilateral pheochromocytoma (PMID: 12807974). This variant is not present in population databases (ExAC no frequency). This sequence change replaces serine with cysteine at codon 111 of the VHL protein (p.Ser111Cys). The serine residue is moderately conserved and there is a moderate physicochemical difference between serine and cysteine.

Literature cited by the submitters: PubMed 9829911; PubMed 25562111; PubMed 27527340; PubMed 14722919; PubMed 10761708; PubMed 7728151; PubMed 25867206; PubMed 22071692; PubMed 12202531; PubMed 12807974.